The following is an entry in ClinVar:

NM_014236.4(GNPAT):c.1060A>G (p.Ile354Val)

Gene: GNPAT (glyceronephosphate O-acyltransferase; plus strand). Cytogenetic location: 1q42.2.
Variant type: single nucleotide variant.
Coding change: c.1060A>G on transcript NM_014236.4 (MANE Select); coding-DNA position 1060, A replaced by G.
Protein change: p.Ile354Val; replaces isoleucine 354 with valine.
Molecular consequence: missense variant.
Genome position (GRCh38, 1-based): chr1:231,267,684, A>G. VCF-style: chr1-231267684-A-G. GRCh37 (hg19) VCF-style: chr1-231403430-A-G.
Other names: c.877A>G, p.Ile293Val (NM_001316350.2); short protein forms I293V, I354V.
Identifiers: ClinVar variation 1484009 (VCV001484009.5), dbSNP rs776984409, ClinGen allele CA1451967.
Genomic context (GRCh38, chr1:231,267,684, plus strand): 5'-CCCCATTTGTCTAAGTAACAGAACTGTAATTTGTTGCTCTGTGCTCTTCCTTTTAGATAC[A>G]TTCCTCAGAAACAGTCTGAGGACATGCATGCCTTTGTCACTGAAGTTGCCTACAAAATGG-3'
Protein context (NP_055051.1, residues 344-364): RSSYNLVPRY[Ile354Val]PQKQSEDMHA

ClinVar aggregate classification (germline): Uncertain significance (1 of 4 stars; one submission).

Allele frequency attached by ClinVar (database versions not stated): gnomAD exomes 0.00002; gnomAD 0.00001; TOPMed 0.00002; ExAC 0.00002.
gnomAD v4.1: 38 of 1,551,132 alleles (0.0024%); highest among the groups gnomAD compares: Non-Finnish European, 0.0034%; no homozygotes.

Submission:

Labcorp Genetics (formerly Invitae), Labcorp
Classification: Uncertain significance. Last evaluated: 2021-09-01. Review status: criteria provided, single submitter. Criteria: Invitae Variant Classification Sherloc (09022015). Collection method: clinical testing. Allele origin: germline.
Comment: This sequence change replaces isoleucine with valine at codon 354 of the GNPAT protein (p.Ile354Val). The isoleucine residue is moderately conserved and there is a small physicochemical difference between isoleucine and valine. This variant is present in population databases (rs776984409, ExAC 0.003%). This variant has not been reported in the literature in individuals affected with GNPAT-related conditions. Algorithms developed to predict the effect of missense changes on protein structure and function output the following: SIFT: "Tolerated"; PolyPhen-2: "Benign"; Align-GVGD: "Class C0". The valine amino acid residue is found in multiple mammalian species, which suggests that this missense change does not adversely affect protein function. In summary, the available evidence is currently insufficient to determine the role of this variant in disease. Therefore, it has been classified as a Variant of Uncertain Significance.